The following is an entry in ClinVar:

ClinVar aggregate classification (germline): Uncertain significance. Review status: criteria provided, multiple submitters, no conflicts (2 of 4 stars). 3 submissions from 3 submitters: Uncertain significance (2). 1 of the submissions does not count toward it. Last evaluated 2022-07-18.

Conditions:
Retinal dystrophy. Also called: Inherited retinal dystrophy. Identifiers: Orphanet 71862, MedGen C0854723, MeSH D058499, MONDO:0019118, HP:0000556.
Nephronophthisis. Also called: Juvenile Nephronophthisis. Identifiers: Orphanet 655, MedGen C0687120, MONDO:0019005, HP:0000090.
Joubert syndrome with renal defect. Also called: JOUBERT SYNDROME 4. Identifiers: Orphanet 220497, MedGen C1846790, MONDO:0012308, OMIM 609583.
Nephronophthisis 1 (NPHP1). Also called: Nephronophthisis familial juvenile. Identifiers: Orphanet 655, Orphanet 93592, MedGen C1855681, MONDO:0009728, OMIM 256100.
Senior-Loken syndrome 1 (SLSN1). Also called: JUVENILE NEPHRONOPHTHISIS WITH LEBER AMAUROSIS. Identifiers: Orphanet 3156, MedGen C4551559, MONDO:0009962, OMIM 266900.

Allele frequency attached by ClinVar (database versions not stated): gnomAD exomes below 0.00001.
gnomAD v4.1: 6 of 1,613,900 alleles (0.00037%); highest among the groups gnomAD compares: Admixed American, 0.0033%; no homozygotes.

Submissions (3):

Labcorp Genetics (formerly Invitae), Labcorp
Classification: Uncertain significance for Nephronophthisis. Last evaluated: 2022-07-18. Review status: criteria provided, single submitter. Criteria: Invitae Variant Classification Sherloc (09022015). Collection method: clinical testing. Allele origin: germline.
Comment: This sequence change replaces glutamic acid, which is acidic and polar, with aspartic acid, which is acidic and polar, at codon 226 of the NPHP1 protein (p.Glu226Asp). This variant is present in population databases (no rsID available, gnomAD 0.003%). This variant has not been reported in the literature in individuals affected with NPHP1-related conditions. ClinVar contains an entry for this variant (Variation ID: 1407713). Algorithms developed to predict the effect of missense changes on protein structure and function output the following: SIFT: "Tolerated"; PolyPhen-2: "Benign"; Align-GVGD: "Class C0". The aspartic acid amino acid residue is found in multiple mammalian species, which suggests that this missense change does not adversely affect protein function. In summary, the available evidence is currently insufficient to determine the role of this variant in disease. Therefore, it has been classified as a Variant of Uncertain Significance.

Fulgent Genetics
Classification: Uncertain significance for Nephronophthisis 1; Senior-Loken syndrome 1; Joubert syndrome with renal defect. Last evaluated: 2022-01-11. Review status: criteria provided, single submitter. Criteria: ACMG Guidelines, 2015. Collection method: clinical testing. Allele origin: unknown.

Institute of Human Genetics, Univ. Regensburg, Univ. Regensburg
Classification: Uncertain significance for Retinal dystrophy. Last evaluated: 2023-01-01. Review status: no assertion criteria provided. Criteria: ACMG Guidelines, 2015. Collection method: clinical testing. Allele origin: germline. Affected: yes. Not counted in ClinVar's aggregate classification.

NM_001128178.3(NPHP1):c.678A>C (p.Glu226Asp)

Gene: NPHP1 (nephrocystin 1; minus strand). Cytogenetic location: 2q13.
Variant type: single nucleotide variant.
Coding change: c.678A>C on transcript NM_001128178.3 (MANE Select); coding-DNA position 678, A replaced by C.
Protein change: p.Glu226Asp; replaces glutamic acid 226 with aspartic acid.
Molecular consequence: missense variant.
Genome position (GRCh38, 1-based): chr2:110,165,102, T>G on the plus strand (A>C on the coding strand, the complement: NPHP1 is on the minus strand). VCF-style: chr2-110165102-T-G. GRCh37 (hg19) VCF-style: chr2-110922679-T-G.
Other names: c.678A>C, p.Glu226Asp (NM_000272.5, NM_001374256.1, NM_001374257.1 and 1 more transcripts); c.492A>C, p.Glu164Asp (NM_001128179.3); short protein forms E164D, E226D.
Identifiers: ClinVar variation 1407713 (VCV001407713.5), dbSNP rs947765689, ClinGen allele CA53515296.